The following is an entry in ClinVar:

ClinVar aggregate classification (germline): Uncertain significance (1 of 4 stars; one submission).

Submission:

Labcorp Genetics (formerly Invitae), Labcorp
Classification: Uncertain significance. Last evaluated: 2021-06-13. Review status: criteria provided, single submitter. Criteria: Invitae Variant Classification Sherloc (09022015). Collection method: clinical testing. Allele origin: germline.
Comment: This sequence change replaces threonine with serine at codon 601 of the STAG2 protein (p.Thr601Ser). The threonine residue is moderately conserved and there is a small physicochemical difference between threonine and serine. This variant is not present in population databases (ExAC no frequency). This variant has not been reported in the literature in individuals with STAG2-related conditions. Algorithms developed to predict the effect of missense changes on protein structure and function (SIFT, PolyPhen-2, Align-GVGD) all suggest that this variant is likely to be tolerated, but these predictions have not been confirmed by published functional studies and their clinical significance is uncertain. Algorithms developed to predict the effect of sequence changes on RNA splicing suggest that this variant may create or strengthen a splice site, but this prediction has not been confirmed by published transcriptional studies. In summary, the available evidence is currently insufficient to determine the role of this variant in disease. Therefore, it has been classified as a Variant of Uncertain Significance.

NM_001042750.2(STAG2):c.1802C>G (p.Thr601Ser)

Gene: STAG2 (STAG2 cohesin complex component; plus strand). Cytogenetic location: Xq25.
Variant type: single nucleotide variant.
Coding change: c.1802C>G on transcript NM_001042750.2 (MANE Select); coding-DNA position 1802, C replaced by G.
Protein change: p.Thr601Ser; replaces threonine 601 with serine.
Molecular consequence: missense variant.
Genome position (GRCh38, 1-based): chrX:124,063,186, C>G. VCF-style: chrX-124063186-C-G. GRCh37 (hg19) VCF-style: chrX-123197036-C-G.
Other names: c.1802C>G, p.Thr601Ser (NM_001042749.2, NM_001042751.2, NM_001282418.2 and 13 more transcripts); short protein forms T601S.
Identifiers: ClinVar variation 1400715 (VCV001400715.8), dbSNP rs942468714, ClinGen allele CA414272223.